The following is an entry in ClinVar:

ClinVar aggregate classification (germline): Pathogenic (1 of 4 stars; one submission).

Conditions:
Telangiectasia, hereditary hemorrhagic, type 2 (HHT2). Also called: Telangiectasia, hereditary hemorrhagic, type II; ACVRL1-Related Hereditary Hemorrhagic Telangiectasia. Identifiers: Orphanet 774, MedGen C1838163, MONDO:0010880, OMIM 600376. Disease mechanism: loss of function.

Submission:

Labcorp Genetics (formerly Invitae), Labcorp
Classification: Pathogenic for Telangiectasia, hereditary hemorrhagic, type 2. Last evaluated: 2024-05-31. Review status: criteria provided, single submitter. Criteria: Invitae Variant Classification Sherloc (09022015). Collection method: clinical testing. Allele origin: germline.
Comment: This sequence change replaces methionine, which is neutral and non-polar, with lysine, which is basic and polar, at codon 376 of the ACVRL1 protein (p.Met376Lys). This variant is not present in population databases (gnomAD no frequency). This missense change has been observed in individual(s) with hereditary hemorrhagic telangiectasia (PMID: 16540754; Invitae). Advanced modeling of protein sequence and biophysical properties (such as structural, functional, and spatial information, amino acid conservation, physicochemical variation, residue mobility, and thermodynamic stability) performed at Invitae indicates that this missense variant is expected to disrupt ACVRL1 protein function with a positive predictive value of 95%. This variant disrupts the p.Met376 amino acid residue in ACVRL1. Other variant(s) that disrupt this residue have been determined to be pathogenic (PMID: 15024723, 16123970, 16690726, 17384219, 17786384). This suggests that this residue is clinically significant, and that variants that disrupt this residue are likely to be disease-causing. For these reasons, this variant has been classified as Pathogenic.

Literature cited by the submitters: PubMed 16540754; PubMed 15024723; PubMed 16123970; PubMed 16690726; PubMed 17384219; PubMed 17786384.

NM_000020.3(ACVRL1):c.1127T>A (p.Met376Lys)

Gene: ACVRL1 (activin A receptor like type 1; plus strand). Cytogenetic location: 12q13.13.
Variant type: single nucleotide variant.
Coding change: c.1127T>A on transcript NM_000020.3 (MANE Select); coding-DNA position 1127, T replaced by A.
Protein change: p.Met376Lys; replaces methionine 376 with lysine.
Molecular consequence: missense variant. On other transcripts: intron variant (1).
Genome position (GRCh38, 1-based): chr12:51,916,114, T>A. VCF-style: chr12-51916114-T-A. GRCh37 (hg19) VCF-style: chr12-52309898-T-A.
Other names: c.1127T>A, p.Met376Lys (NM_001077401.2, NM_001406487.1, NM_001406488.1 and 1 more transcripts); c.815T>A, p.Met272Lys (NM_001406490.1, NM_001406491.1, NM_001406492.1 and 1 more transcripts); c.563T>A, p.Met188Lys (NM_001406495.1); c.736+614T>A (NM_001406494.1); short protein forms M272K, M188K, M376K.
Identifiers: ClinVar variation 3721154 (VCV003721154.2).